The following is an entry in ClinVar:

ClinVar aggregate classification (germline): Benign. Review status: criteria provided, multiple submitters, no conflicts (2 of 4 stars). 2 submissions from 2 submitters: Benign (2). Last evaluated 2018-06-16.

Allele frequency attached by ClinVar (database versions not stated): gnomAD 0.03025 and 0.03243; TOPMed 0.03421; 1000 Genomes Project 30x 0.03435; 1000 Genomes Project 0.03175; gnomAD exomes 0.00335.
gnomAD v4.1: 9,699 of 1,613,212 alleles (0.6%); highest among the groups gnomAD compares: African/African-American, 10%; 430 homozygotes.

Submissions (2):

GeneDx
Classification: Benign. Last evaluated: 2018-06-16. Review status: criteria provided, single submitter. Criteria: GeneDx Variant Classification (06012015). Collection method: clinical testing. Allele origin: germline. Affected: yes.
Comment: This variant is considered likely benign or benign based on one or more of the following criteria: it is a conservative change, it occurs at a poorly conserved position in the protein, it is predicted to be benign by multiple in silico algorithms, and/or has population frequency not consistent with disease.

Breakthrough Genomics
Classification: Benign. Review status: criteria provided, single submitter. Criteria: ACMG Guidelines, 2015. Collection method: not provided. Allele origin: germline. Inheritance: Autosomal recessive inheritance. Affected: yes.

NM_000257.4(MYH7):c.2922+82C>T

Gene: MYH7 (myosin heavy chain 7; minus strand). Cytogenetic location: 14q11.2.
Variant type: single nucleotide variant.
Coding change: c.2922+82C>T on transcript NM_000257.4 (MANE Select); 82 bases into the intron after coding-DNA position 2922, C replaced by T.
Molecular consequence: intron variant.
Genome position (GRCh38, 1-based): chr14:23,423,825, G>A on the plus strand (C>T on the coding strand, the complement: MYH7 is on the minus strand). VCF-style: chr14-23423825-G-A. GRCh37 (hg19) VCF-style: chr14-23893034-G-A.
Identifiers: ClinVar variation 188619 (VCV000188619.2), dbSNP rs7155989, ClinGen allele CA013200.